The following is an entry in ClinVar:

ClinVar aggregate classification (germline): Uncertain significance. Review status: criteria provided, multiple submitters, no conflicts (2 of 4 stars). 2 submissions from 2 submitters: Uncertain significance (2). Last evaluated 2026-01-11.

Conditions:
Early-infantile DEE. Also called: Early infantile epileptic encephalopathy; Ohtahara syndrome; Early infantile epileptic encephalopathy with suppression bursts. Identifiers: Orphanet 1934, MedGen C0393706, MONDO:0800491.

Allele frequency attached by ClinVar (database versions not stated): gnomAD exomes below 0.00001; ExAC 0.00001; TOPMed 0.00001.
gnomAD v4.1: 3 of 1,614,046 alleles (0.00019%); highest among the groups gnomAD compares: Admixed American, 0.0017%; no homozygotes.

Submissions (2):

Labcorp Genetics (formerly Invitae), Labcorp
Classification: Uncertain significance for Early-infantile DEE. Last evaluated: 2026-01-11. Review status: criteria provided, single submitter. Criteria: Invitae Variant Classification Sherloc (09022015). Collection method: clinical testing. Allele origin: germline.
Comment: This sequence change replaces aspartic acid, which is acidic and polar, with asparagine, which is neutral and polar, at codon 48 of the SCN8A protein (p.Asp48Asn). This variant is present in population databases (rs757582223, gnomAD 0.003%). This variant has not been reported in the literature in individuals affected with SCN8A-related conditions. ClinVar contains an entry for this variant (Variation ID: 426406). Invitae Evidence Modeling of protein sequence and biophysical properties (such as structural, functional, and spatial information, amino acid conservation, physicochemical variation, residue mobility, and thermodynamic stability) indicates that this missense variant is not expected to disrupt SCN8A protein function with a negative predictive value of 95%. In summary, the available evidence is currently insufficient to determine the role of this variant in disease. Therefore, it has been classified as a Variant of Uncertain Significance.

GeneDx
Classification: Uncertain significance. Last evaluated: 2018-01-12. Review status: criteria provided, single submitter. Criteria: GeneDx Variant Classification (06012015). Collection method: clinical testing. Allele origin: germline. Affected: yes.
Comment: A variant of uncertain significance has been identified in the SCN8A gene. The D48N variant has not been published as a pathogenic variant, nor has it been reported as a benign variant to our knowledge. The D48N variant is not observed at a significant frequency in large population cohorts (Lek et al., 2016; 1000 Genomes Consortium et al., 2015; Exome Variant Server). The D48N variant is a semi-conservative amino acid substitution, which may impact secondary protein structure as these residues differ in some properties. This substitution occurs at a position that is conserved across species and is predicted to be within the N-terminal cytoplasmic domain. However, in silico analysis is inconsistent in its predictions as to whether or not the variant is damaging to the protein structure/function. Therefore, based on the currently available information, it is unclear whether this variant is a pathogenic variant or a rare benign variant.

NM_001330260.2(SCN8A):c.142G>A (p.Asp48Asn)

Genes: SCN8A (sodium voltage-gated channel alpha subunit 8; plus strand), LOC114803470 (SCN8A eExon liver enhancer; plus strand). Cytogenetic location: 12q13.13.
Variant type: single nucleotide variant.
Coding change: c.142G>A on transcript NM_001330260.2 (MANE Select); coding-DNA position 142, G replaced by A.
Protein change: p.Asp48Asn; replaces aspartic acid 48 with asparagine.
Molecular consequence: missense variant.
Genome position (GRCh38, 1-based): chr12:51,662,959, G>A. VCF-style: chr12-51662959-G-A. GRCh37 (hg19) VCF-style: chr12-52056743-G-A.
Other names: c.142G>A, p.Asp48Asn (NM_001177984.3, NM_001369788.1, NM_014191.4); short protein forms D48N.
Identifiers: ClinVar variation 426406 (VCV000426406.5), dbSNP rs757582223, ClinGen allele CA6571001.
Genomic context (GRCh38, chr12:51,662,959, plus strand): 5'-CGCATTGCTGAGAGCAAGCTCAAGAAACCACCAAAGGCCGATGGCAGTCATCGGGAGGAC[G>A]ATGAGGACAGCAAGCCCAAGCCAAACAGCGACCTGGAAGCAGGGAAGAGTTTGCCTTTCA-3'
Protein context (NP_001317189.1, residues 38-58): PKADGSHRED[Asp48Asn]EDSKPKPNSD